The following is an entry in ClinVar:

NM_001042492.3(NF1):c.2998C>G (p.Arg1000Gly)

Gene: NF1 (neurofibromin 1; plus strand). Cytogenetic location: 17q11.2.
Variant type: single nucleotide variant.
Coding change: c.2998C>G on transcript NM_001042492.3 (MANE Select); coding-DNA position 2998, C replaced by G.
Protein change: p.Arg1000Gly; replaces arginine 1000 with glycine.
Molecular consequence: missense variant.
Genome position (GRCh38, 1-based): chr17:31,230,267, C>G. VCF-style: chr17-31230267-C-G. GRCh37 (hg19) VCF-style: chr17-29557285-C-G.
Other names: c.2998C>G, p.Arg1000Gly (NM_000267.4); short protein forms R1000G.
Identifiers: ClinVar variation 2428878 (VCV002428878.5), dbSNP rs367684252, ClinGen allele CA398986528.
Genomic context (GRCh38, chr17:31,230,267, plus strand): 5'-CTTCTCTTTTGTCTATATCTGATAATTTTTTTATTGTTTCTATGTCTATATAGGTATGTT[C>G]GTGTGCTTGGGAATATGGTCCATGCAATTCAAATAAAAACGAAACTGTGTCAATTAGTTG-3'
Protein context (NP_001035957.1, residues 990-1010): TMMLNLVRYV[Arg1000Gly]VLGNMVHAIQ

ClinVar aggregate classification (germline): Uncertain significance. Review status: criteria provided, multiple submitters, no conflicts (2 of 4 stars). 2 submissions from 2 submitters: Uncertain significance (2). Last evaluated 2025-05-19.

Conditions:
NF1-related disorder. Also called: NF1-related condition. Identifiers: MedGen CN379171.

Submissions (2):

GeneDx
Classification: Uncertain significance. Last evaluated: 2025-05-19. Review status: criteria provided, single submitter. Criteria: GeneDx Variant Classification Process June 2021. Collection method: clinical testing. Allele origin: germline.
Comment: Not observed at significant frequency in large population cohorts (gnomAD); In silico analysis supports that this missense variant has a deleterious effect on protein structure/function; Has not been previously published as pathogenic or benign to our knowledge; This variant is associated with the following publications: (PMID: 25486365, 2121369)

PreventionGenetics, part of Exact Sciences
Classification: Uncertain significance for NF1-related condition. Last evaluated: 2025-01-15. Review status: criteria provided, single submitter. Criteria: ACMG Guidelines, 2015. Collection method: clinical testing. Allele origin: germline.
Comment: The NF1 c.2998C>G variant is predicted to result in the amino acid substitution p.Arg1000Gly. To our knowledge, this variant has not been reported in the literature or in a large population database (gnomAD), indicating this variant is rare. An alternate missense variant affecting this amino acid (p.Arg1000Cys) has been reported in individuals with neurofibromatosis type 1 (Pasmant et al. 2015. PubMed ID: 25074460; Calì et al. 2016. PubMed ID: 27838393). Although we suspect that this variant may be pathogenic, at this time, the clinical significance of this variant is uncertain due to the absence of conclusive functional and genetic evidence.